The following is an entry in ClinVar:

ClinVar aggregate classification (germline): Uncertain significance (1 of 4 stars; one submission).

Conditions:
NRP1-related disorder. Also called: NRP1-related condition.

Allele frequency attached by ClinVar (database versions not stated): TOPMed below 0.00001; gnomAD 0.00001; gnomAD exomes 0.00001.
gnomAD v4.1: 9 of 1,613,808 alleles (0.00056%); highest among the groups gnomAD compares: South Asian, 0.0022%; no homozygotes.

Submission:

PreventionGenetics, part of Exact Sciences
Classification: Uncertain significance for NRP1-related condition. Last evaluated: 2023-08-08. Review status: criteria provided, single submitter. Criteria: ACMG Guidelines, 2015. Collection method: clinical testing. Allele origin: germline.
Comment: The NRP1 c.914G>A variant is predicted to result in the amino acid substitution p.Arg305His. To our knowledge, this variant has not been reported in the literature or in a large population database, indicating this variant is rare. At this time, the clinical significance of this variant is uncertain due to the absence of conclusive functional and genetic evidence.

NM_003873.7(NRP1):c.914G>A (p.Arg305His)

Gene: NRP1 (neuropilin 1; minus strand). Cytogenetic location: 10p11.22.
Variant type: single nucleotide variant.
Coding change: c.914G>A on transcript NM_003873.7 (MANE Select); coding-DNA position 914, G replaced by A.
Protein change: p.Arg305His; replaces arginine 305 with histidine.
Molecular consequence: missense variant. On other transcripts: non-coding transcript variant (1).
Genome position (GRCh38, 1-based): chr10:33,254,095, C>T on the plus strand (G>A on the coding strand, the complement: NRP1 is on the minus strand). VCF-style: chr10-33254095-C-T. GRCh37 (hg19) VCF-style: chr10-33543023-C-T.
Other names: c.914G>A, p.Arg305His (NM_001024628.3, NM_001024629.3, NM_001244972.2 and 2 more transcripts); short protein forms R305H.
Identifiers: ClinVar variation 2628785 (VCV002628785.1), dbSNP rs1174102640, ClinGen allele CA376480196.
Genomic context (GRCh38, chr10:33,254,095, plus strand): 5'-CACTCTCGGTAGGAATCCTCTCCGGGAGTCCACCCATTCTCAGGGTAGTTCAGGCGGGAG[C>T]GCTCTGCAGACCAGTTGGTGCTATACTGGGAAGAAGCTGTGATCTGGTCAGAATGAATTT-3'
Protein context (NP_003864.5, residues 295-315): SQYSTNWSAE[Arg305His]SRLNYPENGW